The following is an entry in ClinVar:

NM_014956.5(CEP164):c.3787G>A (p.Gly1263Arg)

Gene: CEP164 (centrosomal protein 164; plus strand). Cytogenetic location: 11q23.3.
Variant type: single nucleotide variant.
Coding change: c.3787G>A on transcript NM_014956.5 (MANE Select); coding-DNA position 3787, G replaced by A.
Protein change: p.Gly1263Arg; replaces glycine 1263 with arginine.
Molecular consequence: missense variant.
Genome position (GRCh38, 1-based): chr11:117,409,656, G>A. VCF-style: chr11-117409656-G-A. GRCh37 (hg19) VCF-style: chr11-117280372-G-A.
Other names: c.3772G>A, p.Gly1258Arg (NM_001271933.2); short protein forms G1258R, G1263R.
Identifiers: ClinVar variation 2416592 (VCV002416592.5), dbSNP rs748443825, ClinGen allele CA6295584.
Genomic context (GRCh38, chr11:117,409,656, plus strand): 5'-CCATCCACCTCTTTTCTTTCAGTCGACTCAACCCCGAGTCTCACCTCCCGCAAGATCCAC[G>A]GGCTTAGCCACTCCCTCCGGCAGATCAGCAGCCAGCTGAGCAGTGTCCTCAGCATCCTGG-3'
Protein context (NP_055771.4, residues 1253-1273): TPSLTSRKIH[Gly1263Arg]LSHSLRQISS

ClinVar aggregate classification (germline): Uncertain significance (1 of 4 stars; one submission).

Conditions:
Nephronophthisis 15 (NPHP15). Identifiers: Orphanet 3156, MedGen C3541853, MONDO:0013917, OMIM 614845.

Allele frequency attached by ClinVar (database versions not stated): ExAC 0.00002; gnomAD 0.00002; TOPMed 0.00002.
gnomAD v4.1: 9 of 1,611,504 alleles (0.00056%); highest among the groups gnomAD compares: African/African-American, 0.0053%; no homozygotes.

Submission:

Labcorp Genetics (formerly Invitae), Labcorp
Classification: Uncertain significance for Nephronophthisis 15. Last evaluated: 2022-02-12. Review status: criteria provided, single submitter. Criteria: Invitae Variant Classification Sherloc (09022015). Collection method: clinical testing. Allele origin: germline.
Comment: This sequence change replaces glycine, which is neutral and non-polar, with arginine, which is basic and polar, at codon 1263 of the CEP164 protein (p.Gly1263Arg). This variant is present in population databases (rs748443825, gnomAD 0.007%). This variant has not been reported in the literature in individuals affected with CEP164-related conditions. Algorithms developed to predict the effect of missense changes on protein structure and function (SIFT, PolyPhen-2, Align-GVGD) all suggest that this variant is likely to be tolerated. Algorithms developed to predict the effect of sequence changes on RNA splicing suggest that this variant may create or strengthen a splice site. In summary, the available evidence is currently insufficient to determine the role of this variant in disease. Therefore, it has been classified as a Variant of Uncertain Significance.